The following is an entry in ClinVar:

NM_000334.4(SCN4A):c.5413A>T (p.Met1805Leu)

Genes: GH-LCR (growth hormone locus control region; plus strand), SCN4A (sodium voltage-gated channel alpha subunit 4; minus strand). Cytogenetic location: 17q23.3.
Variant type: single nucleotide variant.
Coding change: c.5413A>T on transcript NM_000334.4 (MANE Select); coding-DNA position 5413, A replaced by T.
Protein change: p.Met1805Leu; replaces methionine 1805 with leucine.
Molecular consequence: missense variant.
Genome position (GRCh38, 1-based): chr17:63,940,869, T>A on the plus strand (A>T on the coding strand, the complement: SCN4A is on the minus strand). VCF-style: chr17-63940869-T-A. GRCh37 (hg19) VCF-style: chr17-62018229-T-A.
Other names: short protein forms M1805L.
Identifiers: ClinVar variation 4774116 (VCV004774116.1).

ClinVar aggregate classification (germline): Uncertain significance (1 of 4 stars; one submission).

Conditions:
Hyperkalemic periodic paralysis. Also called: Familial hyperkalemic periodic paralysis; Gamstorp disease. Identifiers: Orphanet 682, MedGen C0238357, MONDO:0008224, OMIM 170500, HP:0007215.

Submission:

Labcorp Genetics (formerly Invitae), Labcorp
Classification: Uncertain significance for Hyperkalemic periodic paralysis. Last evaluated: 2025-12-11. Review status: criteria provided, single submitter. Criteria: Invitae Variant Classification Sherloc (09022015). Collection method: clinical testing. Allele origin: germline.
Comment: This sequence change replaces methionine, which is neutral and non-polar, with leucine, which is neutral and non-polar, at codon 1805 of the SCN4A protein (p.Met1805Leu). This variant is not present in population databases (gnomAD no frequency). This variant has not been reported in the literature in individuals affected with SCN4A-related conditions. Invitae Evidence Modeling of protein sequence and biophysical properties (such as structural, functional, and spatial information, amino acid conservation, physicochemical variation, residue mobility, and thermodynamic stability) indicates that this missense variant is not expected to disrupt SCN4A protein function with a negative predictive value of 95%. In summary, the available evidence is currently insufficient to determine the role of this variant in disease. Therefore, it has been classified as a Variant of Uncertain Significance.